The following is an entry in ClinVar:

NM_000135.4(FANCA):c.3104T>C (p.Ile1035Thr)

Gene: FANCA (FA complementation group A; minus strand). Cytogenetic location: 16q24.3.
Variant type: single nucleotide variant.
Coding change: c.3104T>C on transcript NM_000135.4 (MANE Select); coding-DNA position 3104, T replaced by C.
Protein change: p.Ile1035Thr; replaces isoleucine 1035 with threonine.
Molecular consequence: missense variant.
Genome position (GRCh38, 1-based): chr16:89,749,865, A>G on the plus strand (T>C on the coding strand, the complement: FANCA is on the minus strand). VCF-style: chr16-89749865-A-G. GRCh37 (hg19) VCF-style: chr16-89816273-A-G.
Other names: c.3104T>C, p.Ile1035Thr (NM_001286167.3); short protein forms I1035T.
Identifiers: ClinVar variation 3572396 (VCV003572396.1).

ClinVar aggregate classification (germline): Uncertain significance (1 of 4 stars; one submission).

gnomAD v4.1: 7 of 1,614,090 alleles (0.00043%); highest among the groups gnomAD compares: Admixed American, 0.0033%; no homozygotes.

Submission:

Quest Diagnostics Nichols Institute San Juan Capistrano
Classification: Uncertain significance. Last evaluated: 2024-11-29. Review status: criteria provided, single submitter. Criteria: Quest Diagnostics criteria. Collection method: clinical testing. Allele origin: unknown.
Comment: The FANCA c.3104T>C (p.Ile1035Thr) variant has been identified in the published literature in an individual with ovarian cancer as well as a reportedly healthy individual (PMID: 32546565 (2021)). The frequency of this variant in the general population, 0.000008 (2/251474 chromosomes (Genome Aggregation Database)), is uninformative in the assessment of its pathogenicity. Analysis of this variant using bioinformatics tools for the prediction of the effect of amino acid changes on protein structure and function yielded predictions that this variant is benign. Based on the available information, we are unable to determine the clinical significance of this variant.

Literature cited by the submitters: PubMed 32546565.